The following is an entry in ClinVar:

NM_006231.4(POLE):c.2910del (p.Phe971fs)

Gene: POLE (DNA polymerase epsilon, catalytic subunit; minus strand). Cytogenetic location: 12q24.33.
Variant type: Deletion.
Coding change: c.2910del on transcript NM_006231.4 (MANE Select); coding-DNA position 2910, one base deleted (C; older notation c.2910delC).
Protein change: p.Phe971fs; shifts the reading frame from phenylalanine 971.
Molecular consequence: frameshift variant.
Genome position (GRCh38, 1-based): chr12:132,661,119, G deleted on the plus strand (C on the coding strand, the reverse complement: POLE is on the minus strand). VCF-style (leftmost placement, unchanged base first): chr12-132661118-AG-A. GRCh37 (hg19) VCF-style: chr12-133237704-AG-A.
Other names: short protein forms F971fs.
Identifiers: ClinVar variation 4141146 (VCV004141146.1).

ClinVar aggregate classification (germline): Uncertain significance (1 of 4 stars; one submission).

Conditions:
Hereditary cancer-predisposing syndrome. Also called: Hereditary neoplastic syndrome; Neoplastic Syndromes, Hereditary; Tumor predisposition; Hereditary Cancer Syndrome. Identifiers: Orphanet 140162, MedGen C0027672, MeSH D009386, MONDO:0015356.

Submission:

Ambry Genetics
Classification: Uncertain significance for Hereditary cancer-predisposing syndrome. Last evaluated: 2025-07-02. Review status: criteria provided, single submitter. Criteria: Ambry Variant Classification Scheme 2023. Collection method: clinical testing. Allele origin: germline.
Comment: The c.2910delC variant, located in coding exon 25 of the POLE gene, results from a deletion of one nucleotide at nucleotide position 2910, causing a translational frameshift with a predicted alternate stop codon (p.F971Lfs*11). This alteration is expected to result in loss of function by premature protein truncation or nonsense-mediated mRNA decay. Although biallelic loss of function of POLE has been associated with autosomal recessive POLE deficiency, haploinsufficiency of POLE has not been established as a mechanism of disease for POLE-related polymerase proofreading-associated polyposis (PPAP) and POLE-related CMMRD-like syndrome. Based on the supporting evidence, this variant is expected to be causative of POLE deficiency when present along with a second pathogenic variant on the other allele; however, its clinical significance for PPAP and POLE-related CMMRD-like syndrome is unclear.